The following is an entry in ClinVar:

NM_001099922.3(ALG13):c.2802T>A (p.Pro934=)

Gene: ALG13 (ALG13 UDP-N-acetylglucosaminyltransferase subunit; plus strand). Cytogenetic location: Xq23.
Variant type: single nucleotide variant.
Coding change: c.2802T>A on transcript NM_001099922.3 (MANE Select); coding-DNA position 2802, T replaced by A.
Protein change: p.Pro934=; no amino-acid change (proline 934 retained).
Molecular consequence: synonymous variant. On other transcripts: intron variant (5).
Genome position (GRCh38, 1-based): chrX:111,744,774, T>A. VCF-style: chrX-111744774-T-A. GRCh37 (hg19) VCF-style: chrX-110988002-T-A.
Other names: c.2568T>A, p.Pro856= (NM_001257231.2); c.2383+7895T>A (NM_001257237.2, NM_001257234.2, NM_001257230.2); c.2209+7895T>A (NM_001324293.1); c.2695+7895T>A (NM_001324292.2).
Identifiers: ClinVar variation 1091657 (VCV001091657.33), dbSNP rs865879266, ClinGen allele CA334445776.
Genomic context (GRCh38, chrX:111,744,774, plus strand): 5'-TGGTGCCTCTCTACCACCACCACCACCACCACCACCACCACCACCACCACCACCACCTCC[T>A]CCTCCTCCTCCTCCTCCTCCTCCTCCTCCTCCTGCTCTTGATGTGGGAGAGACTTCAAAC-3'
Protein context (NP_001093392.1, residues 924-944): PPPPPPPPPP[Pro934=]PPPPPPPPPP

ClinVar aggregate classification (germline): Likely benign. Review status: criteria provided, multiple submitters, no conflicts (2 of 4 stars). 2 submissions from 2 submitters: Likely benign (2). Last evaluated 2026-09-01.

Conditions:
Developmental and epileptic encephalopathy, 36 (DEE36). Also called: Congenital disorder of glycosylation, type Is; Epileptic encephalopathy, early infantile, 36; ALG13-CDG. Identifiers: Orphanet 324422, MedGen C4317295, MONDO:0010472, OMIM 300884.

Allele frequency attached by ClinVar (database versions not stated): gnomAD 0.00014 and 0.00013; gnomAD exomes 0.00015 and 0.00007.
gnomAD v4.1: 101 of 683,998 alleles (0.015%); highest among the groups gnomAD compares: African/African-American, 0.034%; no homozygotes.

Submissions (2):

CeGaT Center for Human Genetics Tuebingen
Classification: Likely benign. Last evaluated: 2026-09-01. Review status: criteria provided, single submitter. Criteria: CeGaT Center For Human Genetics Tuebingen Variant Classification Criteria Version 2. Collection method: clinical testing. Allele origin: germline. Affected: yes. Observed: 10 variant alleles.
Comment: ALG13: BP4, BP7

Labcorp Genetics (formerly Invitae), Labcorp
Classification: Likely benign for Developmental and epileptic encephalopathy, 36. Last evaluated: 2025-08-31. Review status: criteria provided, single submitter. Criteria: Invitae Variant Classification Sherloc (09022015). Collection method: clinical testing. Allele origin: germline.